The following is an entry in ClinVar:

NM_001130009.3(GEN1):c.503G>A (p.Arg168Lys)

Gene: GEN1 (GEN1 Holliday junction 5' flap endonuclease; plus strand). Cytogenetic location: 2p24.2.
Variant type: single nucleotide variant.
Coding change: c.503G>A on transcript NM_001130009.3 (MANE Select); coding-DNA position 503, G replaced by A.
Protein change: p.Arg168Lys; replaces arginine 168 with lysine.
Molecular consequence: missense variant.
Genome position (GRCh38, 1-based): chr2:17,765,051, G>A. VCF-style: chr2-17765051-G-A. GRCh37 (hg19) VCF-style: chr2-17946318-G-A.
Other names: c.503G>A, p.Arg168Lys (NM_182625.5); short protein forms R168K.
Identifiers: ClinVar variation 3853436 (VCV003853436.1).
Genomic context (GRCh38, chr2:17,765,051, plus strand): 5'-TCGATGGCTGCCTCACCAATGATGGAGATACTTTCCTTTATGGGGCCCAGACTGTTTACA[G>A]GAATTTCACTATGAATACAAAGGTGTTTATTTTCTTTCTCTTTTTCAGCATTTGTTTACG-3'
Protein context (NP_001123481.3, residues 158-178): TFLYGAQTVY[Arg168Lys]NFTMNTKDPH

ClinVar aggregate classification (germline): Uncertain significance (1 of 4 stars; one submission).

Submission:

Ambry Genetics
Classification: Uncertain significance. Last evaluated: 2024-12-19. Review status: criteria provided, single submitter. Criteria: Ambry Variant Classification Scheme 2023. Collection method: clinical testing. Allele origin: germline.
Comment: The p.R168K variant (also known as c.503G>A), located in coding exon 3 of the GEN1 gene, results from a G to A substitution at nucleotide position 503. The arginine at codon 168 is replaced by lysine, an amino acid with highly similar properties. This amino acid position is conserved. In addition, the in silico prediction for this alteration is inconclusive. Based on the available evidence, the clinical significance of this variant remains unclear.